The following is an entry in ClinVar:

NM_006269.2(RP1):c.5983A>G (p.Ser1995Gly)

Genes: RP1 (RP1 axonemal microtubule associated; plus strand), LOC126860392 (CDK7 strongly-dependent group 2 enhancer GRCh37_chr8:55541319-55542518; plus strand). Cytogenetic location: 8q12.1.
Variant type: single nucleotide variant.
Coding change: c.5983A>G on transcript NM_006269.2 (MANE Select); coding-DNA position 5983, A replaced by G.
Protein change: p.Ser1995Gly; replaces serine 1995 with glycine.
Molecular consequence: missense variant. On other transcripts: intron variant (1).
Genome position (GRCh38, 1-based): chr8:54,629,865, A>G. VCF-style: chr8-54629865-A-G. GRCh37 (hg19) VCF-style: chr8-55542425-A-G.
Other names: c.787+7577A>G (NM_001375654.1); short protein forms S1995G.
Identifiers: ClinVar variation 3357900 (VCV003357900.1).

ClinVar aggregate classification (germline): Uncertain significance (0 of 4 stars; one submission).

Conditions:
RP1-related disorder. Also called: RP1-related condition.

gnomAD v4.1: 4 of 1,613,962 alleles (0.00025%); highest among the groups gnomAD compares: East Asian, 0.0089%; no homozygotes.

Submission:

PreventionGenetics, part of Exact Sciences
Classification: Uncertain significance for RP1-related condition. Last evaluated: 2024-09-27. Review status: no assertion criteria provided. Collection method: clinical testing. Allele origin: germline.
Comment: The RP1 c.5983A>G variant is predicted to result in the amino acid substitution p.Ser1995Gly. This variant has been reported in a cohort of patients with clinically suspected retinitis pigmentosa (Table S2, Gao et al. 2019. PubMed ID: 31054281). This variant is reported in 0.016% of alleles in individuals of East Asian descent in gnomAD. At this time, the clinical significance of this variant is uncertain due to the absence of conclusive functional and genetic evidence.